The following is an entry in ClinVar:

ClinVar aggregate classification (germline): Pathogenic (1 of 4 stars; one submission).

Conditions:
Tumor predisposition syndrome 3 (TPDS3). Also called: Melanoma, cutaneous malignant, susceptibility to, 10; Glioma susceptibility 9; LONG TELOMERE SYNDROME, POT1-RELATED; POT1 Tumor Predisposition. Identifiers: Orphanet 618, MedGen C4014476, MONDO:0014368, OMIM 615848.

Submission:

Labcorp Genetics (formerly Invitae), Labcorp
Classification: Pathogenic for Tumor predisposition syndrome 3. Last evaluated: 2022-03-31. Review status: criteria provided, single submitter. Criteria: Invitae Variant Classification Sherloc (09022015). Collection method: clinical testing. Allele origin: germline.
Comment: This variant has not been reported in the literature in individuals affected with POT1-related conditions. This variant is a gross deletion of the genomic region encompassing exon(s) 5-8 of the POT1 gene, which includes the initiator codon. This deletion extends beyond the assayed region for this gene and therefore may encompass additional genes. It is expected to result in an absent or disrupted protein product. Loss-of-function variants in POT1 are known to be pathogenic (PMID: 32155570). For these reasons, this variant has been classified as Pathogenic.

Literature cited by the submitters: PubMed 32155570.

NC_000007.13:g.(?_124503394)_(124537227_?)del

Gene: POT1 (protection of telomeres 1; minus strand). Cytogenetic location: 7q31.33.
Variant type: Deletion.
Identifiers: ClinVar variation 2426149 (VCV002426149.5).